The following is an entry in ClinVar:

NM_000500.9(CYP21A2):c.1385T>C (p.Leu462Pro)

Genes: CYP21A2 (cytochrome P450 family 21 subfamily A member 2; plus strand), LOC106780800 (CYP21A2 recombination region; plus strand). Cytogenetic location: 6p21.33.
Variant type: single nucleotide variant.
Coding change: c.1385T>C on transcript NM_000500.9 (MANE Select); coding-DNA position 1385, T replaced by C.
Protein change: p.Leu462Pro; replaces leucine 462 with proline.
Molecular consequence: missense variant.
Genome position (GRCh38, 1-based): chr6:32,041,031, T>C. VCF-style: chr6-32041031-T-C. GRCh37 (hg19) VCF-style: chr6-32008808-T-C.
Other names: c.1295T>C, p.Leu432Pro (NM_001128590.4); c.980T>C, p.Leu327Pro (NM_001368143.2, NM_001368144.2); short protein forms L327P, L432P, L462P.
Identifiers: ClinVar variation 2682362 (VCV002682362.1), dbSNP rs1190793485, ClinGen allele CA363512462.

ClinVar aggregate classification (germline): Uncertain significance (1 of 4 stars; one submission).

Allele frequency attached by ClinVar (database versions not stated): gnomAD exomes below 0.00001; gnomAD 0.00007.
gnomAD v4.1: 18 of 1,212,312 alleles (0.0015%); highest among the groups gnomAD compares: African/African-American, 0.023%; no homozygotes.

Submission:

Women's Health and Genetics/Laboratory Corporation of America, LabCorp
Classification: Uncertain significance. Last evaluated: 2023-11-07. Review status: criteria provided, single submitter. Criteria: LabCorp Variant Classification Summary - May 2015. Collection method: clinical testing. Allele origin: germline.
Comment: Variant summary: CYP21A2 c.1385T>C (p.Leu462Pro) results in a non-conservative amino acid change in the encoded protein sequence. Four of five in-silico tools predict a damaging effect of the variant on protein function. The variant allele was found at a frequency of 1.4e-05 in 142500 control chromosomes (gnomAD). c.1385T>C has been reported in the literature as a compound heterozygous genotype in trans with a pathogenic variant in an individual affected with non-classical Congenital Adrenal Hyperplasia (Karlsson_2019). However, this individual also had a variant in cis which, when expressed together with the variant of interest as a complex variant in vitro, showed a greater reduction of enzyme activity than when either variant was examined in isolation (Karlsson_2019). This report does not provide unequivocal conclusions about association of the variant with Congenital Adrenal Hyperplasia. Experimental evidence evaluating an impact of p.Leu462Pro on protein function found that the variant results in 55% and 40% of WT enzymatic activity towards 17OHP and progesterone, respectively (Karlsson_2019). The following publication has been ascertained in the context of this evaluation (PMID: 31344365). No submitters have cited clinical-significance assessments for this variant to ClinVar after 2014. Based on the evidence outlined above, the variant was classified as VUS-possibly pathogenic.

Literature cited by the submitters: PubMed 31344365.